The following is an entry in ClinVar:

ClinVar aggregate classification (germline): Likely benign. Review status: criteria provided, multiple submitters, no conflicts (2 of 4 stars). 3 submissions from 3 submitters: Likely benign (3). Last evaluated 2025-08-01.

Conditions:
Cardiovascular phenotype. Identifiers: MedGen CN230736.

Allele frequency attached by ClinVar (database versions not stated): gnomAD 0.00001; ExAC 0.00002; gnomAD exomes 0.00002; TOPMed 0.00003; ESP Exome Variant Server 0.00008.
gnomAD v4.1: 33 of 1,613,674 alleles (0.002%); highest among the groups gnomAD compares: Middle Eastern, 0.016%; no homozygotes.

Submissions (3):

CeGaT Center for Human Genetics Tuebingen
Classification: Likely benign. Last evaluated: 2025-08-01. Review status: criteria provided, single submitter. Criteria: CeGaT Center For Human Genetics Tuebingen Variant Classification Criteria Version 2. Collection method: clinical testing. Allele origin: germline. Affected: yes. Observed: 1 variant allele.
Comment: EPHB4: BP4, BP7

Labcorp Genetics (formerly Invitae), Labcorp
Classification: Likely benign. Last evaluated: 2024-10-28. Review status: criteria provided, single submitter. Criteria: Invitae Variant Classification Sherloc (09022015). Collection method: clinical testing. Allele origin: germline.

Ambry Genetics
Classification: Likely benign for Cardiovascular phenotype. Last evaluated: 2023-05-27. Review status: criteria provided, single submitter. Criteria: Ambry Variant Classification Scheme 2023. Collection method: clinical testing. Allele origin: germline.

NM_004444.5(EPHB4):c.2097C>T (p.Gly699=)

Gene: EPHB4 (EPH receptor B4; minus strand). Cytogenetic location: 7q22.1.
Variant type: single nucleotide variant.
Coding change: c.2097C>T on transcript NM_004444.5 (MANE Select); coding-DNA position 2097, C replaced by T.
Protein change: p.Gly699=; no amino-acid change (glycine 699 retained).
Molecular consequence: synonymous variant.
Genome position (GRCh38, 1-based): chr7:100,812,768, G>A on the plus strand (C>T on the coding strand, the complement: EPHB4 is on the minus strand). VCF-style: chr7-100812768-G-A. GRCh37 (hg19) VCF-style: chr7-100410390-G-A.
Identifiers: ClinVar variation 2562045 (VCV002562045.13), dbSNP rs149377356, ClinGen allele CA4392748.